The following is an entry in ClinVar:

NM_212482.4(FN1):c.764T>C (p.Leu255Pro)

Gene: FN1 (fibronectin 1; minus strand). Cytogenetic location: 2q35.
Variant type: single nucleotide variant.
Coding change: c.764T>C on transcript NM_212482.4 (MANE Select); coding-DNA position 764, T replaced by C.
Protein change: p.Leu255Pro; replaces leucine 255 with proline.
Molecular consequence: missense variant.
Genome position (GRCh38, 1-based): chr2:215,428,260, A>G on the plus strand (T>C on the coding strand, the complement: FN1 is on the minus strand). VCF-style: chr2-215428260-A-G. GRCh37 (hg19) VCF-style: chr2-216292983-A-G.
Other names: c.764T>C, p.Leu255Pro (NM_001306129.2, NM_001306130.2, NM_001306131.2 and 14 more transcripts); short protein forms L255P.
Identifiers: ClinVar variation 4879493 (VCV004879493.1).

ClinVar aggregate classification (germline): Uncertain significance (1 of 4 stars; one submission).

Conditions:
Glomerulopathy with fibronectin deposits 2 (GFND2). Identifiers: Orphanet 84090, MedGen C1866075, MONDO:0011165, OMIM 601894.

gnomAD v4.1: 2 of 1,614,194 alleles (0.00012%); highest among the groups gnomAD compares: African/African-American, 0.0027%; no homozygotes.

Submission:

Clinical Genomics Laboratory, Washington University in St. Louis
Classification: Uncertain significance for Glomerulopathy with fibronectin deposits 2. Last evaluated: 2026-02-24. Review status: criteria provided, single submitter. Criteria: ACMG Guidelines, 2015. Collection method: clinical testing. Allele origin: germline.
Comment: The FN1 c.764T>C (p.Leu255Pro) variant, to our knowledge, has not been reported in the medical literature. This variant is only observed in 2/1,614,194 alleles in the general population (gnomAD v4.1.0), indicating it is not a common variant. Computational predictors suggest that the variant does not impact FN1 function. Due to limited information, and based on ACMG/AMP guidelines for variant interpretation (Richards S et al., PMID: 25741868), the clinical significance of this variant is uncertain at this time.